The following is an entry in ClinVar:

ClinVar aggregate classification (germline): Benign/Likely benign. Review status: criteria provided, multiple submitters, no conflicts (2 of 4 stars). 2 submissions from 2 submitters: Benign (1); Likely benign (1). Last evaluated 2026-05-05.

Conditions:
Colorectal cancer, hereditary nonpolyposis, type 7. Identifiers: Orphanet 144, MedGen C1858380, MONDO:0013725, OMIM 614385.

Allele frequency attached by ClinVar (database versions not stated): gnomAD 0.00001; ExAC 0.00002; TOPMed below 0.00001; gnomAD exomes 0.00001.
gnomAD v4.1: 131 of 1,613,992 alleles (0.0081%); highest among the groups gnomAD compares: Non-Finnish European, 0.011%; no homozygotes.

Submissions (2):

Myriad Genetics, Inc.
Classification: Benign for Colorectal cancer, hereditary nonpolyposis, type 7. Last evaluated: 2026-05-05. Review status: criteria provided, single submitter. Criteria: Myriad Autosomal Dominant, Autosomal Recessive and X-Linked Classification Criteria (2023). Collection method: clinical testing. Allele origin: unknown.
Comment: This variant is considered benign. This variant is a silent/synonymous amino acid change and it is not expected to impact splicing.

Labcorp Genetics (formerly Invitae), Labcorp
Classification: Likely benign for Colorectal cancer, hereditary nonpolyposis, type 7. Last evaluated: 2024-10-06. Review status: criteria provided, single submitter. Criteria: Invitae Variant Classification Sherloc (09022015). Collection method: clinical testing. Allele origin: germline.

NM_001040108.2(MLH3):c.2574C>A (p.Leu858=)

Gene: MLH3 (mutL homolog 3; minus strand). Cytogenetic location: 14q24.3.
Variant type: single nucleotide variant.
Coding change: c.2574C>A on transcript NM_001040108.2 (MANE Select); coding-DNA position 2574, C replaced by A.
Protein change: p.Leu858=; no amino-acid change (leucine 858 retained).
Molecular consequence: synonymous variant.
Genome position (GRCh38, 1-based): chr14:75,047,082, G>T on the plus strand (C>A on the coding strand, the complement: MLH3 is on the minus strand). VCF-style: chr14-75047082-G-T. GRCh37 (hg19) VCF-style: chr14-75513785-G-T.
Other names: c.2574C>A, p.Leu858= (NM_014381.3).
Identifiers: ClinVar variation 478027 (VCV000478027.11), dbSNP rs754858362, ClinGen allele CA7275677.